The following is an entry in ClinVar:

NM_001113378.2(FANCI):c.1822-3T>C

Gene: FANCI (FA complementation group I; plus strand). Cytogenetic location: 15q26.1.
Variant type: single nucleotide variant.
Coding change: c.1822-3T>C on transcript NM_001113378.2 (MANE Select); 3 bases into the intron before coding-DNA position 1822, T replaced by C.
Molecular consequence: intron variant.
Genome position (GRCh38, 1-based): chr15:89,290,210, T>C. VCF-style: chr15-89290210-T-C. GRCh37 (hg19) VCF-style: chr15-89833441-T-C.
Other names: c.1822-3T>C (NM_018193.3, NM_001376911.1); c.1543-3T>C (NM_001376910.1).
Identifiers: ClinVar variation 1478399 (VCV001478399.4), dbSNP rs978852872, ClinGen allele CA274571933.
Genomic context (GRCh38, chr15:89,290,210, plus strand): 5'-TGATTGTCCAGATCACTAGTATCTCTGTTAAAGTGCTTATTTCTTCTCTTTGATTCCTCT[T>C]AGGGGTTTTATGATGTTCTTCGAAGGAACTCTCAGCTGGCTAATTCAGTCATGCAAACTC-3'

ClinVar aggregate classification (germline): Uncertain significance (1 of 4 stars; one submission).

Conditions:
Fanconi anemia (FA). Also called: Fanconi's anemia. Identifiers: Orphanet 84, MedGen C0015625, MeSH D005199, MONDO:0019391.

Allele frequency attached by ClinVar (database versions not stated): gnomAD exomes below 0.00001; gnomAD 0.00001.
gnomAD v4.1: 2 of 1,612,186 alleles (0.00012%); highest among the groups gnomAD compares: Middle Eastern, 0.017%; no homozygotes.

Submission:

Labcorp Genetics (formerly Invitae), Labcorp
Classification: Uncertain significance for Fanconi anemia. Last evaluated: 2024-04-02. Review status: criteria provided, single submitter. Criteria: Invitae Variant Classification Sherloc (09022015). Collection method: clinical testing. Allele origin: germline.
Comment: This sequence change falls in intron 18 of the FANCI gene. It does not directly change the encoded amino acid sequence of the FANCI protein. It affects a nucleotide within the consensus splice site. This variant is present in population databases (no rsID available, gnomAD no frequency). This variant has not been reported in the literature in individuals affected with FANCI-related conditions. ClinVar contains an entry for this variant (Variation ID: 1478399). Variants that disrupt the consensus splice site are a relatively common cause of aberrant splicing (PMID: 17576681, 9536098). Algorithms developed to predict the effect of sequence changes on RNA splicing suggest that this variant is not likely to affect RNA splicing. In summary, the available evidence is currently insufficient to determine the role of this variant in disease. Therefore, it has been classified as a Variant of Uncertain Significance.

Literature cited by the submitters: PubMed 17576681; PubMed 9536098.